The following is an entry in ClinVar:

NM_175875.5(SIX5):c.1774G>A (p.Ala592Thr)

Gene: SIX5 (SIX homeobox 5; minus strand). Cytogenetic location: 19q13.32.
Variant type: single nucleotide variant.
Coding change: c.1774G>A on transcript NM_175875.5 (MANE Select); coding-DNA position 1774, G replaced by A.
Protein change: p.Ala592Thr; replaces alanine 592 with threonine.
Molecular consequence: missense variant.
Genome position (GRCh38, 1-based): chr19:45,765,947, C>T on the plus strand (G>A on the coding strand, the complement: SIX5 is on the minus strand). VCF-style: chr19-45765947-C-T. GRCh37 (hg19) VCF-style: chr19-46269205-C-T.
Other names: short protein forms A592T.
Identifiers: ClinVar variation 2895422 (VCV002895422.3), dbSNP rs752592016, ClinGen allele CA9520509.
Genomic context (GRCh38, chr19:45,765,947, plus strand): 5'-GAGCCTCTGGGAGAGCAGGGCTGGGGGCCACCGGGAGGCCTCCCTCAGGCACGGAGATGG[C>T]CGTCTCTGGCTTCAGTGGCAGGGCCAGGCCGGGGGCTGGCGGCAGGACCTGGGAGACGAG-3'
Protein context (NP_787071.3, residues 582-602): GLALPLKPET[Ala592Thr]ISVPEGGLPV

ClinVar aggregate classification (germline): Uncertain significance (1 of 4 stars; one submission).

Allele frequency attached by ClinVar (database versions not stated): TOPMed below 0.00001; ExAC 0.00001.
gnomAD v4.1: 32 of 1,594,872 alleles (0.002%); highest among the groups gnomAD compares: South Asian, 0.036%; no homozygotes.

Submission:

Labcorp Genetics (formerly Invitae), Labcorp
Classification: Uncertain significance. Last evaluated: 2023-08-30. Review status: criteria provided, single submitter. Criteria: Invitae Variant Classification Sherloc (09022015). Collection method: clinical testing. Allele origin: germline.
Comment: Advanced modeling of protein sequence and biophysical properties (such as structural, functional, and spatial information, amino acid conservation, physicochemical variation, residue mobility, and thermodynamic stability) performed at Invitae indicates that this missense variant is not expected to disrupt SIX5 protein function. This sequence change replaces alanine, which is neutral and non-polar, with threonine, which is neutral and polar, at codon 592 of the SIX5 protein (p.Ala592Thr). The frequency data for this variant in the population databases is considered unreliable, as metrics indicate poor data quality at this position in the gnomAD database. This variant has not been reported in the literature in individuals affected with SIX5-related conditions. In summary, the available evidence is currently insufficient to determine the role of this variant in disease. Therefore, it has been classified as a Variant of Uncertain Significance.